The following is an entry in ClinVar:

NM_001711.6(BGN):c.90C>G (p.Asp30Glu)

Gene: BGN (biglycan; plus strand). Cytogenetic location: Xq28.
Variant type: single nucleotide variant.
Coding change: c.90C>G on transcript NM_001711.6 (MANE Select); coding-DNA position 90, C replaced by G.
Protein change: p.Asp30Glu; replaces aspartic acid 30 with glutamic acid.
Molecular consequence: missense variant.
Genome position (GRCh38, 1-based): chrX:153,504,721, C>G. VCF-style: chrX-153504721-C-G. GRCh37 (hg19) VCF-style: chrX-152770179-C-G.
Other names: c.90C>G (NM_001711.5); short protein forms D30E.
Identifiers: ClinVar variation 1490325 (VCV001490325.8), dbSNP rs782549135, ClinGen allele CA415067842.

ClinVar aggregate classification (germline): Uncertain significance. Review status: criteria provided, multiple submitters, no conflicts (2 of 4 stars). 2 submissions from 2 submitters: Uncertain significance (2). Last evaluated 2025-12-03.

Conditions:
BGN-related disorder. Also called: BGN-related condition.

Submissions (2):

PreventionGenetics, part of Exact Sciences
Classification: Uncertain significance for BGN-related condition. Last evaluated: 2025-12-03. Review status: criteria provided, single submitter. Criteria: ACMG Guidelines, 2015. Collection method: clinical testing. Allele origin: germline.
Comment: The BGN c.90C>G variant is predicted to result in the amino acid substitution p.Asp30Glu. To our knowledge, this variant has not been reported in the literature or in a large population database, indicating this variant is rare. At this time, the clinical significance of this variant is uncertain due to the absence of conclusive functional and genetic evidence.

Labcorp Genetics (formerly Invitae), Labcorp
Classification: Uncertain significance. Last evaluated: 2023-05-15. Review status: criteria provided, single submitter. Criteria: Invitae Variant Classification Sherloc (09022015). Collection method: clinical testing. Allele origin: germline.
Comment: This sequence change replaces aspartic acid, which is acidic and polar, with glutamic acid, which is acidic and polar, at codon 30 of the BGN protein (p.Asp30Glu). This variant is not present in population databases (gnomAD no frequency). This variant has not been reported in the literature in individuals affected with BGN-related conditions. ClinVar contains an entry for this variant (Variation ID: 1490325). An algorithm developed to predict the effect of missense changes on protein structure and function (PolyPhen-2) suggests that this variant is likely to be disruptive. In summary, the available evidence is currently insufficient to determine the role of this variant in disease. Therefore, it has been classified as a Variant of Uncertain Significance.